The following is an entry in ClinVar:

ClinVar aggregate classification (germline): Uncertain significance (0 of 4 stars; one submission).

Conditions:
SEMA3A-related disorder. Also called: SEMA3A-related condition.

gnomAD v4.1: 4 of 1,562,490 alleles (0.00026%); highest among the groups gnomAD compares: African/African-American, 0.0055%; no homozygotes.

Submission:

PreventionGenetics, part of Exact Sciences
Classification: Uncertain significance for SEMA3A-related condition. Last evaluated: 2024-05-28. Review status: no assertion criteria provided. Collection method: clinical testing. Allele origin: germline.
Comment: The SEMA3A c.1710A>C variant is predicted to result in the amino acid substitution p.Leu570Phe. To our knowledge, this variant has not been reported in the literature. This variant is reported in 0.011% of alleles in individuals of African descent in gnomAD. Although we suspect that this variant may be benign, at this time, the clinical significance of this variant is uncertain due to the absence of conclusive functional and genetic evidence.

NM_006080.3(SEMA3A):c.1710A>C (p.Leu570Phe)

Gene: SEMA3A (semaphorin 3A; minus strand). Cytogenetic location: 7q21.11.
Variant type: single nucleotide variant.
Coding change: c.1710A>C on transcript NM_006080.3 (MANE Select); coding-DNA position 1710, A replaced by C.
Protein change: p.Leu570Phe; replaces leucine 570 with phenylalanine.
Molecular consequence: missense variant.
Genome position (GRCh38, 1-based): chr7:83,977,139, T>G on the plus strand (A>C on the coding strand, the complement: SEMA3A is on the minus strand). VCF-style: chr7-83977139-T-G. GRCh37 (hg19) VCF-style: chr7-83606455-T-G.
Other names: short protein forms L570F.
Identifiers: ClinVar variation 3355760 (VCV003355760.1).